The following is an entry in ClinVar:

NM_033124.5(DRC2):c.470+3A>G

Gene: DRC2 (dynein regulatory complex subunit 2; plus strand). Cytogenetic location: 12q13.12.
Variant type: single nucleotide variant.
Coding change: c.470+3A>G on transcript NM_033124.5 (MANE Select); 3 bases into the intron after coding-DNA position 470, A replaced by G.
Molecular consequence: intron variant.
Genome position (GRCh38, 1-based): chr12:48,914,576, A>G. VCF-style: chr12-48914576-A-G. GRCh37 (hg19) VCF-style: chr12-49308359-A-G.
Other names: c.41+3A>G (NM_001286957.2).
Identifiers: ClinVar variation 1423538 (VCV001423538.3), dbSNP rs200575863, ClinGen allele CA6543238.
Genomic context (GRCh38, chr12:48,914,576, plus strand): 5'-TGGAGGAAAGTTACAACATGGAGCTGGAAGCCCTAACCAAGGAGTTTGAGACAGAAAGGT[A>G]TGGGGGCCTAAGAGAAGATGGGGAATTGAATCCAGGGGAGTGCCCAGAGTCCGTGTCAAG-3'

ClinVar aggregate classification (germline): Uncertain significance (1 of 4 stars; one submission).

Conditions:
Primary ciliary dyskinesia 27. Also called: CILIARY DYSKINESIA, PRIMARY, 27, WITHOUT SITUS INVERSUS. Identifiers: Orphanet 244, MedGen C3809701, MONDO:0014215, OMIM 615504.

Allele frequency attached by ClinVar (database versions not stated): gnomAD 0.00001 and 0.00002; TOPMed 0.00004; gnomAD exomes 0.00005 and 0.00012; ExAC 0.00007; 1000 Genomes Project 30x 0.00016; 1000 Genomes Project 0.00020.
gnomAD v4.1: 34 of 1,613,368 alleles (0.0021%); highest among the groups gnomAD compares: Admixed American, 0.057%; no homozygotes.

Submission:

Labcorp Genetics (formerly Invitae), Labcorp
Classification: Uncertain significance for Primary ciliary dyskinesia 27. Last evaluated: 2022-07-05. Review status: criteria provided, single submitter. Criteria: Invitae Variant Classification Sherloc (09022015). Collection method: clinical testing. Allele origin: germline.
Comment: This sequence change falls in intron 3 of the CCDC65 gene. It does not directly change the encoded amino acid sequence of the CCDC65 protein. It affects a nucleotide within the consensus splice site. This variant is present in population databases (rs200575863, gnomAD 0.08%). This variant has not been reported in the literature in individuals affected with CCDC65-related conditions. ClinVar contains an entry for this variant (Variation ID: 1423538). Variants that disrupt the consensus splice site are a relatively common cause of aberrant splicing (PMID: 17576681, 9536098). Algorithms developed to predict the effect of sequence changes on RNA splicing suggest that this variant may create or strengthen a splice site. In summary, the available evidence is currently insufficient to determine the role of this variant in disease. Therefore, it has been classified as a Variant of Uncertain Significance.

Literature cited by the submitters: PubMed 17576681; PubMed 9536098.